The following is an entry in ClinVar:

NM_006901.4(MYO9A):c.5553A>G (p.Gln1851=)

Gene: MYO9A (myosin IXA; minus strand). Cytogenetic location: 15q23.
Variant type: single nucleotide variant.
Coding change: c.5553A>G on transcript NM_006901.4 (MANE Select); coding-DNA position 5553, A replaced by G.
Protein change: p.Gln1851=; no amino-acid change (glutamine 1851 retained).
Molecular consequence: synonymous variant.
Genome position (GRCh38, 1-based): chr15:71,880,404, T>C on the plus strand (A>G on the coding strand, the complement: MYO9A is on the minus strand). VCF-style: chr15-71880404-T-C. GRCh37 (hg19) VCF-style: chr15-72172745-T-C.
Identifiers: ClinVar variation 776923 (VCV000776923.9), dbSNP rs28380258, ClinGen allele CA7641129.

ClinVar aggregate classification (germline): Benign. Review status: criteria provided, multiple submitters, no conflicts (2 of 4 stars). 4 submissions from 4 submitters: Benign (3). 1 of the submissions does not count toward it. Last evaluated 2021-05-04.

Conditions:
MYO9A-related disorder. Also called: MYO9A-related condition.

Allele frequency attached by ClinVar (database versions not stated): gnomAD exomes 0.00240 and 0.00625; ExAC 0.00767; gnomAD 0.02454 and 0.02629; ESP Exome Variant Server 0.02563; TOPMed 0.02798; 1000 Genomes Project 0.03055; 1000 Genomes Project 30x 0.03092.
gnomAD v4.1: 7,404 of 1,614,216 alleles (0.46%); highest among the groups gnomAD compares: African/African-American, 8.5%; 276 homozygotes.

Submissions (4):

GeneDx
Classification: Benign. Last evaluated: 2021-05-04. Review status: criteria provided, single submitter. Criteria: GeneDx Variant Classification Process June 2021. Collection method: clinical testing. Allele origin: germline. Affected: yes.

Labcorp Genetics (formerly Invitae), Labcorp
Classification: Benign. Last evaluated: 2019-12-31. Review status: criteria provided, single submitter. Criteria: Invitae Variant Classification Sherloc (09022015). Collection method: clinical testing. Allele origin: germline.

Breakthrough Genomics
Classification: Benign. Review status: criteria provided, single submitter. Criteria: ACMG Guidelines, 2015. Collection method: not provided. Allele origin: germline. Inheritance: Autosomal recessive inheritance. Affected: yes.

PreventionGenetics, part of Exact Sciences
Classification: Benign for MYO9A-related condition. Last evaluated: 2020-01-07. Review status: no assertion criteria provided. Collection method: clinical testing. Allele origin: germline. Not counted in ClinVar's aggregate classification.
Comment: This variant is classified as benign based on ACMG/AMP sequence variant interpretation guidelines (Richards et al. 2015 PMID: 25741868, with internal and published modifications).